The following is an entry in ClinVar:

NM_001854.4(COL11A1):c.2771A>G (p.Gln924Arg)

Gene: COL11A1 (collagen type XI alpha 1 chain; minus strand). Cytogenetic location: 1p21.1.
Variant type: single nucleotide variant.
Coding change: c.2771A>G on transcript NM_001854.4 (MANE Select); coding-DNA position 2771, A replaced by G.
Protein change: p.Gln924Arg; replaces glutamine 924 with arginine.
Molecular consequence: missense variant. On other transcripts: non-coding transcript variant (1).
Genome position (GRCh38, 1-based): chr1:102,974,867, T>C on the plus strand (A>G on the coding strand, the complement: COL11A1 is on the minus strand). VCF-style: chr1-102974867-T-C. GRCh37 (hg19) VCF-style: chr1-103440423-T-C.
Other names: c.2423A>G, p.Gln808Arg (NM_001168249.1, NM_080630.4); c.2654A>G, p.Gln885Arg (NM_001190709.2); c.2807A>G, p.Gln936Arg (NM_080629.3); short protein forms Q885R, Q936R, Q808R, Q924R.
Identifiers: ClinVar variation 2792348 (VCV002792348.3), dbSNP rs921127329, ClinGen allele CA27701982.

ClinVar aggregate classification (germline): Uncertain significance (1 of 4 stars; one submission).

Allele frequency attached by ClinVar (database versions not stated): TOPMed below 0.00001; gnomAD 0.00001.

Submission:

Labcorp Genetics (formerly Invitae), Labcorp
Classification: Uncertain significance. Last evaluated: 2024-03-16. Review status: criteria provided, single submitter. Criteria: Invitae Variant Classification Sherloc (09022015). Collection method: clinical testing. Allele origin: germline.
Comment: This sequence change replaces glutamine, which is neutral and polar, with arginine, which is basic and polar, at codon 924 of the COL11A1 protein (p.Gln924Arg). This variant is present in population databases (no rsID available, gnomAD 0.0009%). This variant has not been reported in the literature in individuals affected with COL11A1-related conditions. Advanced modeling of protein sequence and biophysical properties (such as structural, functional, and spatial information, amino acid conservation, physicochemical variation, residue mobility, and thermodynamic stability) performed at Invitae indicates that this missense variant is not expected to disrupt COL11A1 protein function with a negative predictive value of 80%. In summary, the available evidence is currently insufficient to determine the role of this variant in disease. Therefore, it has been classified as a Variant of Uncertain Significance.